The following is an entry in ClinVar:

NM_032043.3(BRIP1):c.508-11T>C

Gene: BRIP1 (BRCA1 interacting DNA helicase 1; minus strand). Cytogenetic location: 17q23.2.
Variant type: single nucleotide variant.
Coding change: c.508-11T>C on transcript NM_032043.3 (MANE Select); 11 bases into the intron before coding-DNA position 508, T replaced by C.
Molecular consequence: intron variant.
Genome position (GRCh38, 1-based): chr17:61,847,231, A>G on the plus strand (T>C on the coding strand, the complement: BRIP1 is on the minus strand). VCF-style: chr17-61847231-A-G. GRCh37 (hg19) VCF-style: chr17-59924592-A-G.
Identifiers: ClinVar variation 923011 (VCV000923011.3), dbSNP rs2078749491, ClinGen allele CA1139665805.

ClinVar aggregate classification (germline): Likely benign. Review status: criteria provided, multiple submitters, no conflicts (2 of 4 stars). 2 submissions from 2 submitters: Likely benign (2). Last evaluated 2024-08-21.

Conditions:
Familial cancer of breast. Also called: BREAST CANCER, FAMILIAL; hereditary breast carcinoma; Hereditary breast cancer. Identifiers: Orphanet 227535, MedGen C0346153, MONDO:0016419, OMIM 114480. Disease mechanism: loss of function.
Hereditary cancer-predisposing syndrome. Also called: Neoplastic Syndromes, Hereditary; Tumor predisposition; Hereditary Cancer Syndrome; Hereditary neoplastic syndrome. Identifiers: Orphanet 140162, MedGen C0027672, MeSH D009386, MONDO:0015356.

Allele frequency attached by ClinVar (database versions not stated): gnomAD exomes below 0.00001.
gnomAD v4.1: 1 of 1,613,746 alleles (0.000062%); highest among the groups gnomAD compares: Non-Finnish European, 0.000085%; no homozygotes.

Submissions (2):

Myriad Genetics, Inc.
Classification: Likely benign for Familial cancer of breast. Last evaluated: 2024-08-21. Review status: criteria provided, single submitter. Criteria: Myriad Autosomal Dominant, Autosomal Recessive and X-Linked Classification Criteria (2023). Collection method: clinical testing. Allele origin: unknown.
Comment: This variant is considered likely benign. This variant is intronic and is not expected to impact mRNA splicing.

Color Diagnostics, LLC DBA Color Health
Classification: Likely benign for Hereditary cancer-predisposing syndrome. Last evaluated: 2019-09-09. Review status: criteria provided, single submitter. Criteria: ACMG Guidelines, 2015. Collection method: clinical testing. Allele origin: germline.